The following is an entry in ClinVar:

ClinVar aggregate classification (germline): Likely pathogenic (1 of 4 stars; one submission).

Conditions:
Peroxisome biogenesis disorder 4A (Zellweger) (PBD4A). Also called: Zellweger syndrome spectrum (PEX6-related). Identifiers: Orphanet 912, MedGen C3553936, MONDO:0013930, OMIM 614862. Disease mechanism: loss of function.

Submission:

Myriad Genetics, Inc.
Classification: Likely pathogenic for Peroxisome biogenesis disorder 4A (Zellweger). Last evaluated: 2022-02-20. Review status: criteria provided, single submitter. Criteria: Myriad Women's Health Autosomal Recessive and X-Linked Classification Criteria (2021). Collection method: clinical testing. Allele origin: unknown.
Comment: NM_000287.3(PEX6):c.2361delA(V788Cfs*34) is expected to be pathogenic in the context of peroxisome biogenesis disorder type 4. This variant is predicted to lead to an abnormal or absent protein product due to the creation of a premature termination codon in PEX6, a gene where loss-of-function variants are known to be pathogenic. Please note: this variant was assessed in the context of healthy population screening.

NM_000287.4(PEX6):c.2361del (p.Val788fs)

Gene: PEX6 (peroxisomal biogenesis factor 6; minus strand). Cytogenetic location: 6p21.1.
Variant type: Deletion.
Coding change: c.2361del on transcript NM_000287.4 (MANE Select); coding-DNA position 2361, one base deleted (A; older notation c.2361delA).
Protein change: p.Val788fs; shifts the reading frame from valine 788.
Molecular consequence: frameshift variant.
Genome position (GRCh38, 1-based): chr6:42,966,045, T deleted on the plus strand (A on the coding strand, the reverse complement: PEX6 is on the minus strand); the first of 2 consecutive T bases (chr6:42,966,045-42,966,046); deleting either gives the same sequence. VCF-style (leftmost placement, unchanged base first): chr6-42966044-CT-C. GRCh37 (hg19) VCF-style: chr6-42933782-CT-C.
Other names: c.2097del, p.Val700fs (NM_001316313.2); short protein forms V700fs, V788fs.
Identifiers: ClinVar variation 1724588 (VCV001724588.2), dbSNP rs2481205386, ClinGen allele CA2580074603.
Genomic context (GRCh38, chr6:42,966,044, plus strand): 5'-GCTTGGGGGCCATCGGGGTTTGGGAAGCATGGGACGCCCTGCCCCTCCCTGCTCACTCAC[CT>C]TCCCGCACATTCTCCTCACTTTGGCCCACATACATGTTAATGAGCTCTGGCCCCTTCACG-3'